The following is an entry in ClinVar:

ClinVar aggregate classification (germline): Likely pathogenic (1 of 4 stars; one submission).

Conditions:
Arginase deficiency. Also called: ARGININEMIA; ARG1 DEFICIENCY; Arginase 1 Deficiency. Identifiers: Orphanet 90, MedGen C0268548, MONDO:0008814, OMIM 207800.

Submission:

Labcorp Genetics (formerly Invitae), Labcorp
Classification: Likely pathogenic for Arginase deficiency. Last evaluated: 2020-11-12. Review status: criteria provided, single submitter. Criteria: Invitae Variant Classification Sherloc (09022015). Collection method: clinical testing. Allele origin: germline.
Comment: This variant results in the deletion of part of exon 5 (c.466-179_524del) of the ARG1 gene. It is expected to disrupt RNA splicing. Variants that disrupt the donor or acceptor splice site typically lead to a loss of protein function (PMID: 16199547), and loss-of-function variants in ARG1 are known to be pathogenic (PMID: 7649538, 12052859). This variant is not present in population databases (ExAC no frequency). This variant has not been reported in the literature in individuals with ARG1-related conditions. In summary, the currently available evidence indicates that the variant is pathogenic, but additional data are needed to prove that conclusively. Therefore, this variant has been classified as Likely Pathogenic.

Literature cited by the submitters: PubMed 16199547; PubMed 7649538; PubMed 12052859.

NM_000045.4(ARG1):c.466-179_524del

Genes: ARG1 (arginase 1; plus strand), MED23 (mediator complex subunit 23; minus strand). Cytogenetic location: 6q23.2.
Variant type: Deletion.
Coding change: c.466-179_524del on transcript NM_000045.4 (MANE Select); 179 bases into the intron before coding-DNA position 466 through coding-DNA position 524, 238 bases deleted.
Molecular consequence: splice acceptor variant. On other transcripts: intron variant (3).
Genome position (GRCh38, 1-based): chr6:131,582,442-131,582,679, 238 bases deleted. GRCh37 (hg19): chr6:131,903,582-131,903,819.
Other names: c.490-179_548del (NM_001244438.2); c.306-618_306-381del (NM_001369020.1); c.4077+5032_4077+5269del (NM_001270521.2); c.4095+5032_4095+5269del (NM_015979.4).
Identifiers: ClinVar variation 1518205 (VCV001518205.7), dbSNP rs2114544574, ClinGen allele CA2573140617.